The following is an entry in ClinVar:

ClinVar aggregate classification (germline): Conflicting classifications of pathogenicity. Review status: criteria provided, conflicting classifications (1 of 4 stars). 3 submissions from 3 submitters: Likely pathogenic (1); Uncertain significance (1). 1 of the submissions does not count toward it. Last evaluated 2023-06-05.

Conditions:
CHRNA1-related disorders.
Lethal multiple pterygium syndrome (LMPS). Identifiers: Orphanet 33108, MedGen C1854678, MONDO:0009668, OMIM 253290.

Submissions (3):

Labcorp Genetics (formerly Invitae), Labcorp
Classification: Uncertain significance for Lethal multiple pterygium syndrome. Last evaluated: 2023-06-05. Review status: criteria provided, single submitter. Criteria: Invitae Variant Classification Sherloc (09022015). Collection method: clinical testing. Allele origin: germline.
Comment: In summary, the available evidence is currently insufficient to determine the role of this variant in disease. Therefore, it has been classified as a Variant of Uncertain Significance. ClinVar contains an entry for this variant (Variation ID: 18388). This variant is also known as R234L. Advanced modeling of protein sequence and biophysical properties (such as structural, functional, and spatial information, amino acid conservation, physicochemical variation, residue mobility, and thermodynamic stability) performed at Invitae indicates that this missense variant is expected to disrupt CHRNA1 protein function. This missense change has been observed in individual(s) with clinical features of congenital myasthenic syndrome (PMID: 18252226). This variant is present in population databases (rs137852809, gnomAD 0.003%). This sequence change replaces arginine, which is basic and polar, with leucine, which is neutral and non-polar, at codon 229 of the CHRNA1 protein (p.Arg229Leu).

Blueprint Genetics
Classification: Likely pathogenic for CHRNA1-related disorders. Last evaluated: 2022-09-26. Review status: criteria provided, single submitter. Criteria: ACMG Guidelines, 2015. Collection method: clinical testing. Allele origin: germline. Affected: yes. Observed: 1 variant allele.

OMIM
Classification: Pathogenic for MULTIPLE PTERYGIUM SYNDROME, LETHAL TYPE. Last evaluated: 2008-02-01. Review status: no assertion criteria provided. Collection method: literature only. Allele origin: germline. Not counted in ClinVar's aggregate classification.

Literature cited by the submitters: PubMed 18252226 (cited by Labcorp Genetics (formerly Invitae), Labcorp and OMIM).

NM_000079.4(CHRNA1):c.686G>T (p.Arg229Leu)

Gene: CHRNA1 (cholinergic receptor nicotinic alpha 1 subunit; minus strand). Cytogenetic location: 2q31.1.
Variant type: single nucleotide variant.
Coding change: c.686G>T on transcript NM_000079.4 (MANE Select); coding-DNA position 686, G replaced by T.
Protein change: p.Arg229Leu; replaces arginine 229 with leucine.
Molecular consequence: missense variant.
Genome position (GRCh38, 1-based): chr2:174,753,595, C>A on the plus strand (G>T on the coding strand, the complement: CHRNA1 is on the minus strand). VCF-style: chr2-174753595-C-A. GRCh37 (hg19) VCF-style: chr2-175618323-C-A.
Other names: c.761G>T, p.Arg254Leu (NM_001039523.3); short protein forms R254L, R229L.
Identifiers: ClinVar variation 18388 (VCV000018388.5), dbSNP rs137852809, ClinGen allele CA128084.